The following is an entry in ClinVar:

ClinVar aggregate classification (germline): Uncertain significance (1 of 4 stars; one submission).

Conditions:
Hereditary cancer-predisposing syndrome. Also called: Tumor predisposition; Hereditary Cancer Syndrome; Hereditary neoplastic syndrome; Neoplastic Syndromes, Hereditary. Identifiers: Orphanet 140162, MedGen C0027672, MeSH D009386, MONDO:0015356.

Submission:

Ambry Genetics
Classification: Uncertain significance for Hereditary cancer-predisposing syndrome. Last evaluated: 2023-09-12. Review status: criteria provided, single submitter. Criteria: Ambry Variant Classification Scheme 2023. Collection method: clinical testing. Allele origin: germline.
Comment: The p.Q561K variant (also known as c.1681C>A), located in coding exon 11 of the BRIP1 gene, results from a C to A substitution at nucleotide position 1681. The glutamine at codon 561 is replaced by lysine, an amino acid with similar properties. This amino acid position is conserved. In addition, this alteration is predicted to be tolerated by in silico analysis. Since supporting evidence is limited at this time, the clinical significance of this alteration remains unclear.

NM_032043.3(BRIP1):c.1681C>A (p.Gln561Lys)

Gene: BRIP1 (BRCA1 interacting DNA helicase 1; minus strand). Cytogenetic location: 17q23.2.
Variant type: single nucleotide variant.
Coding change: c.1681C>A on transcript NM_032043.3 (MANE Select); coding-DNA position 1681, C replaced by A.
Protein change: p.Gln561Lys; replaces glutamine 561 with lysine.
Molecular consequence: missense variant.
Genome position (GRCh38, 1-based): chr17:61,780,953, G>T on the plus strand (C>A on the coding strand, the complement: BRIP1 is on the minus strand). VCF-style: chr17-61780953-G-T. GRCh37 (hg19) VCF-style: chr17-59858314-G-T.
Other names: short protein forms Q561K.
Identifiers: ClinVar variation 2626403 (VCV002626403.2), dbSNP rs2145095682, ClinGen allele CA400480479.